The following is an entry in ClinVar:

NM_003823.4(TNFRSF6B):c.155G>A (p.Cys52Tyr)

Genes: RTEL1-TNFRSF6B (RTEL1-TNFRSF6B readthrough (NMD candidate); plus strand), TNFRSF6B (TNF receptor superfamily member 6b; plus strand). Cytogenetic location: 20q13.33.
Variant type: single nucleotide variant.
Coding change: c.155G>A on transcript NM_003823.4 (MANE Select); coding-DNA position 155, G replaced by A.
Protein change: p.Cys52Tyr; replaces cysteine 52 with tyrosine.
Molecular consequence: missense variant. On other transcripts: non-coding transcript variant (1).
Genome position (GRCh38, 1-based): chr20:63,696,922, G>A. VCF-style: chr20-63696922-G-A. GRCh37 (hg19) VCF-style: chr20-62328275-G-A.
Other names: short protein forms C52Y.
Identifiers: ClinVar variation 1365202 (VCV001365202.8), dbSNP rs2090993746, ClinGen allele CA409710862.
Genomic context (GRCh38, chr20:63,696,922, plus strand): 5'-AAACACCCACCTACCCCTGGCGGGACGCAGAGACAGGGGAGCGGCTGGTGTGCGCCCAGT[G>A]CCCCCCAGGCACCTTTGTGCAGCGGCCGTGCCGCCGAGACAGCCCCACGACGTGTGGCCC-3'
Protein context (NP_003814.1, residues 42-62): ETGERLVCAQ[Cys52Tyr]PPGTFVQRPC

ClinVar aggregate classification (germline): Uncertain significance (1 of 4 stars; one submission).

Allele frequency attached by ClinVar (database versions not stated): TOPMed below 0.00001; gnomAD exomes 0.00001.
gnomAD v4.1: 11 of 1,610,158 alleles (0.00068%); highest among the groups gnomAD compares: Non-Finnish European, 0.00093%; no homozygotes.

Submission:

Labcorp Genetics (formerly Invitae), Labcorp
Classification: Uncertain significance. Last evaluated: 2023-10-13. Review status: criteria provided, single submitter. Criteria: Invitae Variant Classification Sherloc (09022015). Collection method: clinical testing. Allele origin: germline.
Comment: This sequence change replaces cysteine, which is neutral and slightly polar, with tyrosine, which is neutral and polar, at codon 52 of the TNFRSF6B protein (p.Cys52Tyr). This variant is not present in population databases (gnomAD no frequency). This variant has not been reported in the literature in individuals affected with TNFRSF6B-related conditions. ClinVar contains an entry for this variant (Variation ID: 1365202). An algorithm developed to predict the effect of missense changes on protein structure and function (PolyPhen-2) suggests that this variant is likely to be disruptive. In summary, the available evidence is currently insufficient to determine the role of this variant in disease. Therefore, it has been classified as a Variant of Uncertain Significance.